The following is an entry in ClinVar:

ClinVar aggregate classification (germline): Uncertain significance (1 of 4 stars; one submission).

Conditions:
Neuropathy, hereditary sensory and autonomic, type 2A (HSAN2A). Also called: HSAN IIA; WNK1-Related HSAN2 (HSAN2A); ACROOSTEOLYSIS, GIACCAI TYPE; ACROOSTEOLYSIS, NEUROGENIC; MORVAN DISEASE; NEUROPATHY, CONGENITAL SENSORY. Identifiers: Orphanet 970, MedGen C2752089, MONDO:0024309, OMIM 201300.
Pseudohypoaldosteronism type 2C (PHA2C). Also called: Pseudohypoaldosteronism Type IIC. Identifiers: Orphanet 757, Orphanet 88940, MedGen C1840391, MONDO:0013778, OMIM 614492.

Allele frequency attached by ClinVar (database versions not stated): gnomAD exomes below 0.00001; TOPMed 0.00002; gnomAD 0.00003.
gnomAD v4.1: 6 of 1,613,762 alleles (0.00037%); highest among the groups gnomAD compares: African/African-American, 0.008%; no homozygotes.

Submission:

Labcorp Genetics (formerly Invitae), Labcorp
Classification: Uncertain significance for Neuropathy, hereditary sensory and autonomic, type 2A; Pseudohypoaldosteronism type 2C. Last evaluated: 2023-03-18. Review status: criteria provided, single submitter. Criteria: Invitae Variant Classification Sherloc (09022015). Collection method: clinical testing. Allele origin: germline.
Comment: In summary, the available evidence is currently insufficient to determine the role of this variant in disease. Therefore, it has been classified as a Variant of Uncertain Significance. Advanced modeling of protein sequence and biophysical properties (such as structural, functional, and spatial information, amino acid conservation, physicochemical variation, residue mobility, and thermodynamic stability) performed at Invitae indicates that this missense variant is not expected to disrupt WNK1 protein function. This variant has not been reported in the literature in individuals affected with WNK1-related conditions. This variant is present in population databases (no rsID available, gnomAD 0.01%). This sequence change replaces serine, which is neutral and polar, with phenylalanine, which is neutral and non-polar, at codon 801 of the WNK1 protein (p.Ser801Phe).

NM_213655.5(WNK1):c.2402C>T (p.Ser801Phe)

Gene: WNK1 (WNK lysine deficient protein kinase 1; plus strand). Cytogenetic location: 12p13.33.
Variant type: single nucleotide variant.
Coding change: c.2402C>T on transcript NM_213655.5 (MANE Plus Clinical); coding-DNA position 2402, C replaced by T.
Protein change: p.Ser801Phe; replaces serine 801 with phenylalanine.
Molecular consequence: missense variant. On other transcripts: intron variant (2).
Genome position (GRCh38, 1-based): chr12:867,873, C>T. VCF-style: chr12-867873-C-T. GRCh37 (hg19) VCF-style: chr12-977039-C-T.
Other names: c.2147C>T, p.Ser716Phe (NM_001184985.2); c.2140-3392C>T (NM_018979.4, NM_014823.3); short protein forms S716F, S801F.
Identifiers: ClinVar variation 2928880 (VCV002928880.3), dbSNP rs1363509239, ClinGen allele CA383338591.